The following is an entry in ClinVar:

ClinVar aggregate classification (germline): Uncertain significance (1 of 4 stars; one submission).

Conditions:
Hereditary cancer-predisposing syndrome. Also called: Neoplastic Syndromes, Hereditary; Tumor predisposition; Hereditary Cancer Syndrome; Hereditary neoplastic syndrome. Identifiers: Orphanet 140162, MedGen C0027672, MeSH D009386, MONDO:0015356.

Submission:

Ambry Genetics
Classification: Uncertain significance for Hereditary cancer-predisposing syndrome. Last evaluated: 2026-03-21. Review status: criteria provided, single submitter. Criteria: Ambry Variant Classification Scheme 2023. Collection method: clinical testing. Allele origin: germline.
Comment: The p.L634S variant (also known as c.1901T>C), located in coding exon 7 of the BLM gene, results from a T to C substitution at nucleotide position 1901. The leucine at codon 634 is replaced by serine, an amino acid with dissimilar properties. This amino acid position is conserved. In addition, this alteration is predicted to be tolerated by in silico analysis. Based on the available evidence, the clinical significance of this variant remains unclear.

NM_000057.4(BLM):c.1901T>C (p.Leu634Ser)

Gene: BLM (BLM RecQ like helicase; plus strand). Cytogenetic location: 15q26.1.
Variant type: single nucleotide variant.
Coding change: c.1901T>C on transcript NM_000057.4 (MANE Select); coding-DNA position 1901, T replaced by C.
Protein change: p.Leu634Ser; replaces leucine 634 with serine.
Molecular consequence: missense variant.
Genome position (GRCh38, 1-based): chr15:90,762,984, T>C. VCF-style: chr15-90762984-T-C. GRCh37 (hg19) VCF-style: chr15-91306214-T-C.
Other names: c.1901T>C, p.Leu634Ser (NM_001287246.2, NM_001287247.2); c.776T>C, p.Leu259Ser (NM_001287248.2); short protein forms L259S, L634S.
Identifiers: ClinVar variation 4867474 (VCV004867474.1).